The following is an entry in ClinVar:

NM_005422.4(TECTA):c.4337C>G (p.Thr1446Arg)

Genes: TECTA (tectorin alpha; plus strand), TBCEL-TECTA (TBCEL-TECTA readthrough; plus strand). Cytogenetic location: 11q23.3.
Variant type: single nucleotide variant.
Coding change: c.4337C>G on transcript NM_005422.4 (MANE Select); coding-DNA position 4337, C replaced by G.
Protein change: p.Thr1446Arg; replaces threonine 1446 with arginine.
Molecular consequence: missense variant.
Genome position (GRCh38, 1-based): chr11:121,157,872, C>G. VCF-style: chr11-121157872-C-G. GRCh37 (hg19) VCF-style: chr11-121028581-C-G.
Other names: c.5294C>G, p.Thr1765Arg (NM_001378761.1); short protein forms T1446R, T1765R.
Identifiers: ClinVar variation 303025 (VCV000303025.7), dbSNP rs72998913, ClinGen allele CA6327437.

ClinVar aggregate classification (germline): Uncertain significance. Review status: criteria provided, multiple submitters, no conflicts (2 of 4 stars). 4 submissions from 3 submitters: Uncertain significance (4). Last evaluated 2024-11-05.

Conditions:
Autosomal recessive nonsyndromic hearing loss 21. Identifiers: Orphanet 90636, MedGen C1863655, MONDO:0011351, OMIM 603629.
Autosomal dominant nonsyndromic hearing loss 12. Also called: DEAFNESS, AUTOSOMAL DOMINANT 8. Identifiers: Orphanet 90635, MedGen C1832187, MONDO:0011102, OMIM 601543.

Allele frequency attached by ClinVar (database versions not stated): gnomAD 0.00001 and 0.00003; TOPMed 0.00002; gnomAD exomes 0.00004; ExAC 0.00007; ESP Exome Variant Server 0.00008; 1000 Genomes Project 0.00020; 1000 Genomes Project 30x 0.00031.
gnomAD v4.1: 37 of 1,614,220 alleles (0.0023%); highest among the groups gnomAD compares: Middle Eastern, 0.017%; no homozygotes.

Submissions (4):

GeneDx
Classification: Uncertain significance. Last evaluated: 2024-11-05. Review status: criteria provided, single submitter. Criteria: GeneDx Variant Classification Process June 2021. Collection method: clinical testing. Allele origin: germline. Affected: yes.
Comment: In silico analysis indicates that this missense variant does not alter protein structure/function; Has not been previously published as pathogenic or benign to our knowledge; This variant is associated with the following publications: (PMID: 21520338, 31554319, 9590290, 35389343)

Illumina Laboratory Services, Illumina
Classification: Uncertain significance for Autosomal dominant nonsyndromic hearing loss 12. Last evaluated: 2018-01-13. Review status: criteria provided, single submitter. Criteria: ICSL Variant Classification Criteria 13 December 2019. Collection method: clinical testing. Allele origin: germline.

Illumina Laboratory Services, Illumina
Classification: Uncertain significance for Autosomal recessive nonsyndromic hearing loss 21. Last evaluated: 2018-01-13. Review status: criteria provided, single submitter. Criteria: ICSL Variant Classification Criteria 13 December 2019. Collection method: clinical testing. Allele origin: germline.

Breakthrough Genomics
Classification: Uncertain significance. Review status: criteria provided, single submitter. Criteria: ACMG Guidelines, 2015. Collection method: not provided. Allele origin: germline. Inheritance: Autosomal recessive inheritance. Affected: yes.